The following is an entry in ClinVar:

NM_022370.4(ROBO3):c.571dup (p.Arg191fs)

Gene: ROBO3 (roundabout guidance receptor 3; plus strand). Cytogenetic location: 11q24.2.
Variant type: Duplication.
Coding change: c.571dup on transcript NM_022370.4 (MANE Select); coding-DNA position 571, one base duplicated (C; older notation c.571dupC).
Protein change: p.Arg191fs; shifts the reading frame from arginine 191.
Molecular consequence: frameshift variant.
Genome position (GRCh38, 1-based): chr11:124,869,533, C duplicated; the last of 7 consecutive C bases (chr11:124,869,527-124,869,533); duplicating any one gives the same sequence. VCF-style (leftmost placement, unchanged base first): chr11-124869526-G-GC. GRCh37 (hg19) VCF-style: chr11-124739422-G-GC.
Other names: c.571dupC (NM_022370.4, NM_022370.3); short protein forms R191fs.
Identifiers: ClinVar variation 632150 (VCV000632150.17), dbSNP rs756837590, ClinGen allele CA6343218.

ClinVar aggregate classification (germline): Pathogenic. Review status: criteria provided, multiple submitters, no conflicts (2 of 4 stars). 9 submissions from 9 submitters: Pathogenic (7). 2 of the submissions do not count toward it. Last evaluated 2026-08-21.

Conditions:
Fetal anomalies with a likely genetic cause.
Inborn genetic diseases. Identifiers: MedGen C0950123, MeSH D030342.
ROBO3-related disorder. Also called: ROBO3-related condition.
Gaze palsy, familial horizontal, with progressive scoliosis 1 (HGPPS1). Identifiers: Orphanet 2744, MedGen C4551964, MONDO:0020790, OMIM 607313.

Submissions (9):

Genetics Laboratory, Great Ormond Street Hospital NHS Foundation Trust, North Thames Genomic Laboratory Hub
Classification: Pathogenic for Fetal anomalies with a likely genetic cause. Last evaluated: 2026-08-21. Review status: criteria provided, single submitter. Criteria: ACGS Best Practice Guidelines for Variant Classification in Rare Disease 2024 v1.2. Collection method: clinical testing. Allele origin: germline. Affected: yes.
Comment: PM2_moderate, PVS1_very-strong

PreventionGenetics, part of Exact Sciences
Classification: Pathogenic for ROBO3-related condition. Last evaluated: 2025-10-01. Review status: criteria provided, single submitter. Criteria: ACMG Guidelines, 2015. Collection method: clinical testing. Allele origin: germline.
Comment: The ROBO3 c.571dupC variant is predicted to result in a frameshift and premature protein termination (p.Arg191Profs*61). This variant has been reported in the homozygous state in two siblings from a single family with horizontal gaze palsy with progressive scoliosis (reported as c.565dupC (p.R191Pfs∗61), Huang et al. 2022. PubMed ID: 36186627). This variant is reported in 0.013% of alleles in individuals of South Asian descent in gnomAD. Frameshift variants in ROBO3 are expected to be pathogenic. This variant is interpreted as pathogenic.

Women's Health and Genetics/Laboratory Corporation of America, LabCorp
Classification: Pathogenic for Gaze palsy, familial horizontal, with progressive scoliosis 1. Last evaluated: 2024-05-21. Review status: criteria provided, single submitter. Criteria: LabCorp Variant Classification Summary - May 2015. Collection method: clinical testing. Allele origin: germline.
Comment: Variant summary: ROBO3 c.571dupC (p.Arg191ProfsX61) results in a premature termination codon, predicted to cause a truncation of the encoded protein or absence of the protein due to nonsense mediated decay, which are commonly known mechanisms for disease. The variant allele was found at a frequency of 5.4e-05 in 166682 control chromosomes. c.571dupC has been reported in the literature in homozygous individuals affected with Gaze Palsy, Familial Horizontal, With Progressive Scoliosis, 1 (e.g. Huang_2022). These data indicate that the variant is likely to be associated with disease. To our knowledge, no experimental evidence demonstrating an impact on protein function has been reported. The following publication has been ascertained in the context of this evaluation (PMID: 36186627). ClinVar contains an entry for this variant (Variation ID: 632150). Based on the evidence outlined above, the variant was classified as pathogenic.

GeneDx
Classification: Pathogenic. Last evaluated: 2023-07-27. Review status: criteria provided, single submitter. Criteria: GeneDx Variant Classification Process June 2021. Collection method: clinical testing. Allele origin: germline. Affected: yes.
Comment: Frameshift variant predicted to result in protein truncation or nonsense mediated decay in a gene for which loss-of-function is a known mechanism of disease; This variant is associated with the following publications: (PMID: 32580277, 36186627)

Neuberg Centre For Genomic Medicine, NCGM
Classification: Pathogenic for Gaze palsy, familial horizontal, with progressive scoliosis 1. Last evaluated: 2023-06-22. Review status: criteria provided, single submitter. Criteria: ACMG Guidelines, 2015. Collection method: clinical testing. Allele origin: germline. Inheritance: Autosomal recessive inheritance. Affected: yes.
Comment: The observed frameshift c.571dup(p.Arg191ProfsTer61) variant in ROBO3 gene has been reported previously in homozygous state in individual(s) affected with Horizontal gaze palsy with progressive scoliosis (HGPPS) (Huang et al., 2022). This variant is reported with the allele frequency of 0.005% in the gnomAD Exomes. This variant has been reported to the ClinVar database as Uncertain Significance / Likely Pathogenic / Pathogenic (multiple submitters). This variant causes a frameshift starting with codon Arginine 191, changes this amino acid to Proline residue, and creates a premature Stop codon at position 61 of the new reading frame, denoted p.Arg191ProfsTer61. This variant is predicted to cause loss of normal protein function through protein truncation. Loss of function variants have been previously reported to be disease causing (Jen et al., 2004; Sibgatullah et al., 2022). For these reasons, this variant has been classified as Pathogenic.

Ambry Genetics
Classification: Pathogenic for Inborn genetic diseases. Last evaluated: 2022-05-23. Review status: criteria provided, single submitter. Criteria: Ambry Variant Classification Scheme 2023. Collection method: clinical testing. Allele origin: germline.
Comment: The c.571dupC (p.R191Pfs*61) alteration, located in exon 3 (coding exon 3) of the ROBO3 gene, consists of a duplication of C at position 571, causing a translational frameshift with a predicted alternate stop codon after 61 amino acids. This alteration is expected to result in loss of function by premature protein truncation or nonsense-mediated mRNA decay. Based on data from gnomAD, this alteration has an overall frequency of 0.006% (12/197954) total alleles studied. The highest observed frequency was 0.01% (3/23278) of South Asian alleles. Based on the available evidence, this alteration is classified as pathogenic.

Victorian Clinical Genetics Services, Murdoch Childrens Research Institute
Classification: Pathogenic for Gaze palsy, familial horizontal, with progressive scoliosis 1. Last evaluated: 2021-05-06. Review status: criteria provided, single submitter. Criteria: ACMG Guidelines, 2015. Collection method: clinical testing. Allele origin: germline. Inheritance: Autosomal recessive inheritance.
Comment: Based on the classification scheme VCGS_Germline_v1.3.4, this variant is classified as Pathogenic. Following criteria are met: 0102 - Loss of function is a known mechanism of disease in this gene and is associated with familial horizontal gaze palsy with progressive scoliosis 1 (MIM#607313). (I) 0106 - This gene is associated with autosomal recessive disease. (I) 0201 - Variant is predicted to cause nonsense-mediated decay (NMD) and loss of protein (premature termination codon is located at least 54 nucleotides upstream of the final exon-exon junction). (SP) 0251 - This variant is heterozygous. (I) 0304 - Variant is present in gnomAD <0.01 for a recessive condition (v2: 12 heterozygotes, 0 homozygotes). (SP) 0701 - Other NMD variants comparable to the one identified in this case have very strong previous evidence for pathogenicity (PMID: 32580277, ClinVar, DECIPHER). (SP) 0802 - This variant has moderate previous evidence of pathogenicity in unrelated individuals. This variant has been reported as likely pathogenic and pathogenic in LOVD and DECIPHER. (SP) 0905 - No published segregation evidence has been identified for this variant. (I) 1007 - No published functional evidence has been identified for this variant. (I) 1208 - Inheritance information for this variant is not currently available in this individual. (I) Legend: (SP) - Supporting pathogenic, (I) - Information, (SB) - Supporting benign

Genome Diagnostics Laboratory, Amsterdam University Medical Center
Classification: Pathogenic. Review status: no assertion criteria provided. Collection method: clinical testing. Allele origin: germline. Affected: yes. Study: VKGL Data-share Consensus. Not counted in ClinVar's aggregate classification.

Laboratory of Diagnostic Genome Analysis, Leiden University Medical Center (LUMC)
Classification: Likely pathogenic. Review status: no assertion criteria provided. Collection method: clinical testing. Allele origin: germline. Affected: yes. Study: VKGL Data-share Consensus. Not counted in ClinVar's aggregate classification.

Literature cited by the submitters: PubMed 36186627 (cited by Women's Health and Genetics/Laboratory Corporation of America, LabCorp); PubMed 32580277 (cited by Victorian Clinical Genetics Services, Murdoch Childrens Research Institute).